The following is an entry in ClinVar:

NM_144997.7(FLCN):c.1260C>T (p.Leu420=)

Gene: FLCN (folliculin; minus strand). Cytogenetic location: 17p11.2.
Variant type: single nucleotide variant.
Coding change: c.1260C>T on transcript NM_144997.7 (MANE Select); coding-DNA position 1260, C replaced by T.
Protein change: p.Leu420=; no amino-acid change (leucine 420 retained).
Molecular consequence: synonymous variant.
Genome position (GRCh38, 1-based): chr17:17,216,420, G>A on the plus strand (C>T on the coding strand, the complement: FLCN is on the minus strand). VCF-style: chr17-17216420-G-A. GRCh37 (hg19) VCF-style: chr17-17119734-G-A.
Other names: c.1314C>T, p.Leu438= (NM_001353229.2); c.1260C>T, p.Leu420= (NM_001353230.2, NM_001353231.2).
Identifiers: ClinVar variation 715313 (VCV000715313.13), dbSNP rs780571501, ClinGen allele CA8416085.

ClinVar aggregate classification (germline): Benign/Likely benign. Review status: criteria provided, multiple submitters, no conflicts (2 of 4 stars). 4 submissions from 4 submitters: Benign (1); Likely benign (3). Last evaluated 2025-09-30.

Conditions:
Birt-Hogg-Dube syndrome 1 (BHD1). Also called: FIBROFOLLICULOMAS WITH TRICHODISCOMAS AND ACROCHORDONS. Identifiers: Orphanet 122, MedGen CN375946, MONDO:0800445, OMIM 135150.
Birt-Hogg-Dube syndrome. Also called: Birt Hogg Dubé syndrome. Identifiers: Orphanet 122, MedGen C0346010, MONDO:0800444.
Hereditary cancer-predisposing syndrome. Also called: Neoplastic Syndromes, Hereditary; Tumor predisposition; Hereditary Cancer Syndrome; Hereditary neoplastic syndrome. Identifiers: Orphanet 140162, MedGen C0027672, MeSH D009386, MONDO:0015356.

Allele frequency attached by ClinVar (database versions not stated): gnomAD exomes 0.00001; ExAC 0.00002.
gnomAD v4.1: 4 of 1,613,810 alleles (0.00025%); highest among the groups gnomAD compares: Admixed American, 0.0067%; no homozygotes.

Submissions (4):

Labcorp Genetics (formerly Invitae), Labcorp
Classification: Likely benign for Birt-Hogg-Dube syndrome. Last evaluated: 2025-09-30. Review status: criteria provided, single submitter. Criteria: Invitae Variant Classification Sherloc (09022015). Collection method: clinical testing. Allele origin: germline.

Myriad Genetics, Inc.
Classification: Benign for Birt-Hogg-Dube syndrome 1. Last evaluated: 2024-10-24. Review status: criteria provided, single submitter. Criteria: Myriad Autosomal Dominant, Autosomal Recessive and X-Linked Classification Criteria (2023). Collection method: clinical testing. Allele origin: unknown.
Comment: This variant is considered benign. This variant is a silent/synonymous amino acid change and it is not expected to impact splicing.

Ambry Genetics
Classification: Likely benign for Hereditary cancer-predisposing syndrome. Last evaluated: 2023-04-30. Review status: criteria provided, single submitter. Criteria: Ambry Variant Classification Scheme 2023. Collection method: clinical testing. Allele origin: germline.

Blueprint Genetics
Classification: Likely benign. Last evaluated: 2020-10-02. Review status: criteria provided, single submitter. Criteria: ACMG Guidelines, 2015. Collection method: clinical testing. Allele origin: germline.